The following is an entry in ClinVar:

ClinVar aggregate classification (germline): Uncertain significance (1 of 4 stars; one submission).

Conditions:
Hereditary cancer-predisposing syndrome. Also called: Neoplastic Syndromes, Hereditary; Tumor predisposition; Hereditary Cancer Syndrome; Hereditary neoplastic syndrome. Identifiers: Orphanet 140162, MedGen C0027672, MeSH D009386, MONDO:0015356.

Submission:

Color Diagnostics, LLC DBA Color Health
Classification: Uncertain significance for Hereditary cancer-predisposing syndrome. Last evaluated: 2023-12-04. Review status: criteria provided, single submitter. Criteria: ACMG Guidelines, 2015. Collection method: clinical testing. Allele origin: germline.
Comment: This missense variant replaces glutamine with arginine at codon 499 of the ATM protein. Computational prediction suggests that this variant may not impact protein structure and function (internally defined REVEL score threshold <= 0.5, PMID: 27666373). To our knowledge, functional studies have not been reported for this variant. This variant has not been reported in individuals affected with ATM-related disorders in the literature. This variant has not been identified in the general population by the Genome Aggregation Database (gnomAD). The available evidence is insufficient to determine the role of this variant in disease conclusively. Therefore, this variant is classified as a Variant of Uncertain Significance.

NM_000051.4(ATM):c.1496A>G (p.Gln499Arg)

Gene: ATM (ATM serine/threonine kinase; plus strand). Cytogenetic location: 11q22.3.
Variant type: single nucleotide variant.
Coding change: c.1496A>G on transcript NM_000051.4 (MANE Select); coding-DNA position 1496, A replaced by G.
Protein change: p.Gln499Arg; replaces glutamine 499 with arginine.
Molecular consequence: missense variant.
Genome position (GRCh38, 1-based): chr11:108,250,961, A>G. VCF-style: chr11-108250961-A-G. GRCh37 (hg19) VCF-style: chr11-108121688-A-G.
Other names: c.1496A>G, p.Gln499Arg (NM_001351834.2); short protein forms Q499R.
Identifiers: ClinVar variation 921775 (VCV000921775.4), dbSNP rs2080112384, ClinGen allele CA382534221.